The following is an entry in ClinVar:

ClinVar aggregate classification (germline): Uncertain significance (1 of 4 stars; one submission).

Conditions:
Joubert syndrome. Also called: CEREBELLOPARENCHYMAL DISORDER IV; JOUBERT-BOLTSHAUSER SYNDROME; Familial aplasia of the vermis. Identifiers: Orphanet 475, MedGen C5979921, MONDO:0018772.
Meckel-Gruber syndrome. Also called: DYSENCEPHALIA SPLANCHNOCYSTICA; GRUBER SYNDROME; Dysencephalia splachnocystica. Identifiers: Orphanet 564, MedGen C0265215, MONDO:0018921.

Allele frequency attached by ClinVar (database versions not stated): ExAC 0.00005; gnomAD 0.00001; gnomAD exomes 0.00001; TOPMed 0.00001.
gnomAD v4.1: 9 of 1,562,226 alleles (0.00058%); highest among the groups gnomAD compares: East Asian, 0.016%; no homozygotes.

Submission:

Labcorp Genetics (formerly Invitae), Labcorp
Classification: Uncertain significance for Joubert syndrome; Meckel-Gruber syndrome. Last evaluated: 2024-10-08. Review status: criteria provided, single submitter. Criteria: Invitae Variant Classification Sherloc (09022015). Collection method: clinical testing. Allele origin: germline.
Comment: This sequence change replaces glycine, which is neutral and non-polar, with aspartic acid, which is acidic and polar, at codon 924 of the TMEM67 protein (p.Gly924Asp). This variant is present in population databases (rs765739455, gnomAD 0.04%). This variant has not been reported in the literature in individuals affected with TMEM67-related conditions. ClinVar contains an entry for this variant (Variation ID: 2161856). Invitae Evidence Modeling of protein sequence and biophysical properties (such as structural, functional, and spatial information, amino acid conservation, physicochemical variation, residue mobility, and thermodynamic stability) has been performed for this missense variant. However, the output from this modeling did not meet the statistical confidence thresholds required to predict the impact of this variant on TMEM67 protein function. In summary, the available evidence is currently insufficient to determine the role of this variant in disease. Therefore, it has been classified as a Variant of Uncertain Significance.

NM_153704.6(TMEM67):c.2771G>A (p.Gly924Asp)

Gene: TMEM67 (transmembrane protein 67; plus strand). Cytogenetic location: 8q22.1.
Variant type: single nucleotide variant.
Coding change: c.2771G>A on transcript NM_153704.6 (MANE Select); coding-DNA position 2771, G replaced by A.
Protein change: p.Gly924Asp; replaces glycine 924 with aspartic acid.
Molecular consequence: missense variant. On other transcripts: non-coding transcript variant (1).
Genome position (GRCh38, 1-based): chr8:93,815,311, G>A. VCF-style: chr8-93815311-G-A. GRCh37 (hg19) VCF-style: chr8-94827539-G-A.
Other names: c.2528G>A, p.Gly843Asp (NM_001142301.1); short protein forms G843D, G924D.
Identifiers: ClinVar variation 2161856 (VCV002161856.3), dbSNP rs765739455, ClinGen allele CA4808398.
Genomic context (GRCh38, chr8:93,815,311, plus strand): 5'-AGACTTGTTCCTTTTTTAAATTTCTAATTTATATTTTCTAAATTTTTTTAATAGATGAAG[G>A]TTATTCTTTCAGCAGTGTCCTGTATTATGGAAATGAAGCTACTCTTCTTATTTTTGATCT-3'
Protein context (NP_714915.3, residues 914-934): MEKSIFYNDE[Gly924Asp]YSFSSVLYYG